The following is an entry in ClinVar:

ClinVar aggregate classification (germline): Uncertain significance. Review status: criteria provided, multiple submitters, no conflicts (2 of 4 stars). 2 submissions from 2 submitters: Uncertain significance (2). Last evaluated 2023-06-24.

Conditions:
Nephrolithiasis/nephrocalcinosis. Identifiers: MedGen CN580796.
Familial hypocalciuric hypercalcemia 1. Also called: Hypercalcemia, familial benign type 1. Identifiers: Orphanet 405, Orphanet 93372, MedGen C0342637, MONDO:0007791, OMIM 145980.

Submissions (2):

Ambry Genetics
Classification: Uncertain significance for Nephrolithiasis/nephrocalcinosis. Last evaluated: 2023-06-24. Review status: criteria provided, single submitter. Criteria: Ambry Variant Classification Scheme 2023. Collection method: clinical testing. Allele origin: germline.
Comment: The p.W15G variant (also known as c.43T>G), located in coding exon 1 of the CASR gene, results from a T to G substitution at nucleotide position 43. The tryptophan at codon 15 is replaced by glycine, an amino acid with highly dissimilar properties. This amino acid position is conserved. In addition, the in silico prediction for this alteration is inconclusive. Since supporting evidence is limited at this time, the clinical significance of this alteration remains unclear.

MVZ Dr. Eberhard & Partner Dortmund
Classification: Uncertain significance for Familial hypocalciuric hypercalcemia 1. Review status: criteria provided, single submitter. Criteria: ACMG Guidelines, 2015. Collection method: clinical testing. Allele origin: unknown.

NM_000388.4(CASR):c.43T>G (p.Trp15Gly)

Gene: CASR (calcium sensing receptor; plus strand). Cytogenetic location: 3q21.1.
Variant type: single nucleotide variant.
Coding change: c.43T>G on transcript NM_000388.4 (MANE Select); coding-DNA position 43, T replaced by G.
Protein change: p.Trp15Gly; replaces tryptophan 15 with glycine.
Molecular consequence: missense variant.
Genome position (GRCh38, 1-based): chr3:122,254,232, T>G. VCF-style: chr3-122254232-T-G. GRCh37 (hg19) VCF-style: chr3-121973079-T-G.
Other names: c.43T>G, p.Trp15Gly (NM_001178065.2); short protein forms W15G.
Identifiers: ClinVar variation 3067130 (VCV003067130.2), dbSNP rs2473205110, ClinGen allele CA354362008.